The following is an entry in ClinVar:

ClinVar aggregate classification (germline): Uncertain significance (1 of 4 stars; one submission).

gnomAD v4.1: 1 of 1,613,716 alleles (0.000062%); highest among the groups gnomAD compares: African/African-American, 0.0013%; no homozygotes.

Submission:

GeneDx
Classification: Uncertain significance. Last evaluated: 2024-04-16. Review status: criteria provided, single submitter. Criteria: GeneDx Variant Classification Process June 2021. Collection method: clinical testing. Allele origin: germline. Affected: yes.
Comment: Not observed at significant frequency in large population cohorts (gnomAD); In silico analysis indicates that this missense variant does not alter protein structure/function; Has not been previously published as pathogenic or benign to our knowledge

NM_015046.7(SETX):c.3941G>A (p.Gly1314Asp)

Gene: SETX (senataxin; minus strand). Cytogenetic location: 9q34.13.
Variant type: single nucleotide variant.
Coding change: c.3941G>A on transcript NM_015046.7 (MANE Select); coding-DNA position 3941, G replaced by A.
Protein change: p.Gly1314Asp; replaces glycine 1314 with aspartic acid.
Molecular consequence: missense variant.
Genome position (GRCh38, 1-based): chr9:132,327,657, C>T on the plus strand (G>A on the coding strand, the complement: SETX is on the minus strand). VCF-style: chr9-132327657-C-T. GRCh37 (hg19) VCF-style: chr9-135203044-C-T.
Other names: c.3941G>A, p.Gly1314Asp (NM_001351527.2, NM_001351528.2); short protein forms G1314D.
Identifiers: ClinVar variation 3372735 (VCV003372735.1).